The following is an entry in ClinVar:

ClinVar aggregate classification (germline): Pathogenic (1 of 4 stars; one submission).

Conditions:
Hereditary cancer-predisposing syndrome. Also called: Hereditary neoplastic syndrome; Hereditary Cancer Syndrome; Neoplastic Syndromes, Hereditary; Tumor predisposition. Identifiers: Orphanet 140162, MedGen C0027672, MeSH D009386, MONDO:0015356.

Submission:

Ambry Genetics
Classification: Pathogenic for Hereditary cancer-predisposing syndrome. Last evaluated: 2015-01-09. Review status: criteria provided, single submitter. Criteria: Ambry Variant Classification Scheme 2023. Collection method: clinical testing. Allele origin: germline.
Comment: The c.376dupT pathogenic mutation, located in coding exon 5 of the SDHC gene, results from a duplication of T at nucleotide position 376, causing a translational frameshift with a disruption to the amino acid sequence in the c-terminal domain and a predicted alternate stop codon . Since frameshifts are typically deleterious in nature, this alteration is interpreted as a disease-causing mutation (ACMG Recommendations for Standards for Interpretation and Reporting of Sequence Variations. Revision 2007. Genet Med. 2008;10:294).

NM_003001.5(SDHC):c.376dup (p.Tyr126fs)

Gene: SDHC (succinate dehydrogenase complex subunit C; plus strand). Cytogenetic location: 1q23.3.
Variant type: Duplication.
Coding change: c.376dup on transcript NM_003001.5 (MANE Select); coding-DNA position 376, one base duplicated (T; older notation c.376dupT).
Protein change: p.Tyr126fs; shifts the reading frame from tyrosine 126.
Molecular consequence: frameshift variant. On other transcripts: non-coding transcript variant (1), intron variant (3).
Genome position (GRCh38, 1-based): chr1:161,356,811, T duplicated. VCF-style (leftmost placement, unchanged base first): chr1-161356810-G-GT. GRCh37 (hg19) VCF-style: chr1-161326600-G-GT.
Other names: c.274dup, p.Tyr92fs (NM_001035512.3); c.217dup, p.Tyr73fs (NM_001035513.3); c.496dup, p.Tyr166fs (NM_001407115.1); c.319dup, p.Tyr107fs (NM_001407116.1); c.313dup, p.Tyr105fs (NM_001407117.1); c.268dup, p.Tyr90fs (NM_001407118.1); c.265dup, p.Tyr89fs (NM_001407119.1, NM_001407120.1); c.242-5518dup (NM_001035511.3); and 3 more; short protein forms Y126fs, Y73fs, Y92fs, Y107fs, Y166fs, Y89fs, Y90fs, Y105fs.
Identifiers: ClinVar variation 229958 (VCV000229958.6), dbSNP rs876658301, ClinGen allele CA10577666.